The following is an entry in ClinVar:

ClinVar aggregate classification (germline): Uncertain significance (1 of 4 stars; one submission).

Conditions:
Hereditary insensitivity to pain with anhidrosis (CIPA). Also called: INSENSITIVITY TO PAIN, CONGENITAL, WITH ANHIDROSIS; NTRK1 Congenital Insensitivity to Pain with Anhidrosis; NEUROPATHY, CONGENITAL SENSORY, WITH ANHIDROSIS; FAMILIAL DYSAUTONOMIA, TYPE II; hereditary sensory and autonomic neuropathy type 4; HSAN Type IV. Identifiers: Orphanet 642, MedGen C0020074, MONDO:0009746, OMIM 256800.

Submission:

Labcorp Genetics (formerly Invitae), Labcorp
Classification: Uncertain significance for Hereditary insensitivity to pain with anhidrosis. Last evaluated: 2023-11-27. Review status: criteria provided, single submitter. Criteria: Invitae Variant Classification Sherloc (09022015). Collection method: clinical testing. Allele origin: germline.
Comment: This sequence change replaces aspartic acid, which is acidic and polar, with tyrosine, which is neutral and polar, at codon 210 of the NTRK1 protein (p.Asp210Tyr). This variant is not present in population databases (gnomAD no frequency). This variant has not been reported in the literature in individuals affected with NTRK1-related conditions. ClinVar contains an entry for this variant (Variation ID: 576157). Advanced modeling of protein sequence and biophysical properties (such as structural, functional, and spatial information, amino acid conservation, physicochemical variation, residue mobility, and thermodynamic stability) performed at Invitae indicates that this missense variant is not expected to disrupt NTRK1 protein function with a negative predictive value of 95%. In summary, the available evidence is currently insufficient to determine the role of this variant in disease. Therefore, it has been classified as a Variant of Uncertain Significance.

NM_002529.4(NTRK1):c.628G>T (p.Asp210Tyr)

Gene: NTRK1 (neurotrophic receptor tyrosine kinase 1; plus strand). Cytogenetic location: 1q23.1.
Variant type: single nucleotide variant.
Coding change: c.628G>T on transcript NM_002529.4 (MANE Select); coding-DNA position 628, G replaced by T.
Protein change: p.Asp210Tyr; replaces aspartic acid 210 with tyrosine.
Molecular consequence: missense variant.
Genome position (GRCh38, 1-based): chr1:156,868,558, G>T. VCF-style: chr1-156868558-G-T. GRCh37 (hg19) VCF-style: chr1-156838350-G-T.
Other names: c.538G>T, p.Asp180Tyr (NM_001007792.1); c.628G>T, p.Asp210Tyr (NM_001012331.2); short protein forms D180Y, D210Y.
Identifiers: ClinVar variation 576157 (VCV000576157.9), dbSNP rs745366033, ClinGen allele CA342934335.